The following is an entry in ClinVar:

NM_173689.7(CRB2):c.755-16GT[5]

Gene: CRB2 (crumbs cell polarity complex component 2; plus strand). Cytogenetic location: 9q33.3.
Variant type: Microsatellite.
Coding change: c.755-16GT[5] on transcript NM_173689.7 (MANE Select); five copies in a row of the 2-base unit GT starting at c.755-16.
Molecular consequence: intron variant.
Genome position: GRCh38 VCF-style: chr9-123367155-C-CGT. GRCh37 (hg19) VCF-style: chr9-126129434-C-CGT.
Identifiers: ClinVar variation 4989034 (VCV004989034.1).

ClinVar aggregate classification (germline): Likely benign (1 of 4 stars; one submission).

Conditions:
CRB2-related disorder. Also called: CRB2-related disorders; CRB2-related condition.

Submission:

PreventionGenetics, part of Exact Sciences
Classification: Likely benign for CRB2-related condition. Last evaluated: 2026-09-21. Review status: criteria provided, single submitter. Criteria: ACMG Guidelines, 2015. Collection method: clinical testing. Allele origin: germline.
Comment: This variant is classified as likely benign based on ACMG/AMP sequence variant interpretation guidelines (Richards et al. 2015 PMID: 25741868, with internal and published modifications).